The following is an entry in ClinVar:

NM_017802.4(DNAAF5):c.380G>A (p.Gly127Asp)

Genes: DNAAF5 (dynein axonemal assembly factor 5; plus strand), PRKAR1B (protein kinase cAMP-dependent type I regulatory subunit beta; minus strand). Cytogenetic location: 7p22.3.
Variant type: single nucleotide variant.
Coding change: c.380G>A on transcript NM_017802.4 (MANE Select); coding-DNA position 380, G replaced by A.
Protein change: p.Gly127Asp; replaces glycine 127 with aspartic acid.
Molecular consequence: missense variant. On other transcripts: intron variant (3), non-coding transcript variant (1).
Genome position (GRCh38, 1-based): chr7:727,100, G>A. VCF-style: chr7-727100-G-A. GRCh37 (hg19) VCF-style: chr7-766737-G-A.
Other names: c.-23+490C>T (NM_001164758.2); c.-23+110C>T (NM_001164760.2); c.-23+555C>T (NM_001164759.1); short protein forms G127D.
Identifiers: ClinVar variation 639538 (VCV000639538.11), dbSNP rs1209538602, ClinGen allele CA366530430.
Genomic context (GRCh38, chr7:727,100, plus strand): 5'-CCGCGCGGCCCCGCGATGCCCTGCCGCGCCTGCTGCCCGCGCTCGCCGCGCGCTTGGCCG[G>A]CCCCGTGCCCGCGCGCCGCCCGCCCGAGGCCTGTGAGGAGCTGCGCCTGGCGCTTGTGCA-3'
Protein context (NP_060272.3, residues 117-137): LLPALAARLA[Gly127Asp]PVPARRPPEA

ClinVar aggregate classification (germline): Uncertain significance. Review status: criteria provided, multiple submitters, no conflicts (2 of 4 stars). 2 submissions from 2 submitters: Uncertain significance (2). Last evaluated 2024-07-17.

Conditions:
Primary ciliary dyskinesia. Also called: Ciliary dyskinesia. Identifiers: Orphanet 244, MedGen C0008780, MONDO:0016575, HP:0012265.

Allele frequency attached by ClinVar (database versions not stated): TOPMed 0.00012; gnomAD 0.00020; 1000 Genomes Project 30x 0.00031.
gnomAD v4.1: 117 of 1,078,594 alleles (0.011%); highest among the groups gnomAD compares: East Asian, 0.12%; no homozygotes.

Submissions (2):

Labcorp Genetics (formerly Invitae), Labcorp
Classification: Uncertain significance for Primary ciliary dyskinesia. Last evaluated: 2024-07-17. Review status: criteria provided, single submitter. Criteria: Invitae Variant Classification Sherloc (09022015). Collection method: clinical testing. Allele origin: germline.
Comment: This sequence change replaces glycine, which is neutral and non-polar, with aspartic acid, which is acidic and polar, at codon 127 of the DNAAF5 protein (p.Gly127Asp). This variant is present in population databases (no rsID available, gnomAD 0.1%). This missense change has been observed in individual(s) with clinical features of DNAAF5-related conditions (Invitae). ClinVar contains an entry for this variant (Variation ID: 639538). Advanced modeling of protein sequence and biophysical properties (such as structural, functional, and spatial information, amino acid conservation, physicochemical variation, residue mobility, and thermodynamic stability) performed at Invitae indicates that this missense variant is not expected to disrupt DNAAF5 protein function with a negative predictive value of 80%. In summary, the available evidence is currently insufficient to determine the role of this variant in disease. Therefore, it has been classified as a Variant of Uncertain Significance.

Ambry Genetics
Classification: Uncertain significance for Primary ciliary dyskinesia. Last evaluated: 2022-09-14. Review status: criteria provided, single submitter. Criteria: Ambry Variant Classification Scheme 2023. Collection method: clinical testing. Allele origin: germline.